The following is an entry in ClinVar:

NM_182643.3(DLC1):c.1298C>A (p.Thr433Asn)

Gene: DLC1 (DLC1 Rho GTPase activating protein; minus strand). Cytogenetic location: 8p22.
Variant type: single nucleotide variant.
Coding change: c.1298C>A on transcript NM_182643.3 (MANE Select); coding-DNA position 1298, C replaced by A.
Protein change: p.Thr433Asn; replaces threonine 433 with asparagine.
Molecular consequence: missense variant. On other transcripts: 5 prime UTR variant (1).
Genome position (GRCh38, 1-based): chr8:13,393,569, G>T on the plus strand (C>A on the coding strand, the complement: DLC1 is on the minus strand). VCF-style: chr8-13393569-G-T. GRCh37 (hg19) VCF-style: chr8-13251078-G-T.
Other names: c.1298C>A, p.Thr433Asn (NM_001348081.2, NM_001413124.1, NM_001413125.1 and 1 more transcripts); c.-154C>A (NM_001348082.2); short protein forms T433N.
Identifiers: ClinVar variation 4709567 (VCV004709567.1).

ClinVar aggregate classification (germline): Uncertain significance (1 of 4 stars; one submission).

gnomAD v4.1: 5 of 1,613,868 alleles (0.00031%); highest among the groups gnomAD compares: East Asian, 0.0089%; no homozygotes.

Submission:

Labcorp Genetics (formerly Invitae), Labcorp
Classification: Uncertain significance. Last evaluated: 2025-10-19. Review status: criteria provided, single submitter. Criteria: Invitae Variant Classification Sherloc (09022015). Collection method: clinical testing. Allele origin: germline.
Comment: This sequence change replaces threonine, which is neutral and polar, with asparagine, which is neutral and polar, at codon 433 of the DLC1 protein (p.Thr433Asn). This variant is not present in population databases (gnomAD no frequency). This variant has not been reported in the literature in individuals affected with DLC1-related conditions. An algorithm developed to predict the effect of missense changes on protein structure and function (PolyPhen-2) suggests that this variant is likely to be tolerated. In summary, the available evidence is currently insufficient to determine the role of this variant in disease. Therefore, it has been classified as a Variant of Uncertain Significance.